The following is an entry in ClinVar:

ClinVar aggregate classification (germline): Likely benign. Review status: criteria provided, multiple submitters, no conflicts (2 of 4 stars). 2 submissions from 2 submitters: Likely benign (2). Last evaluated 2022-07-01.

Allele frequency attached by ClinVar (database versions not stated): gnomAD 0.00003; TOPMed 0.00003.
gnomAD v4.1: 30 of 1,611,516 alleles (0.0019%); highest among the groups gnomAD compares: Middle Eastern, 0.066%; no homozygotes.

Submissions (2):

CeGaT Center for Human Genetics Tuebingen
Classification: Likely benign. Last evaluated: 2022-07-01. Review status: criteria provided, single submitter. Criteria: CeGaT Center For Human Genetics Tuebingen Variant Classification Criteria Version 2. Collection method: clinical testing. Allele origin: germline. Affected: yes. Observed: 1 variant allele.
Comment: PKP1: BP4, BP7

Breakthrough Genomics
Classification: Likely benign. Review status: criteria provided, single submitter. Criteria: ACMG Guidelines, 2015. Collection method: not provided. Allele origin: germline. Inheritance: Autosomal recessive inheritance. Affected: yes.

NM_001005337.3(PKP1):c.1491C>T (p.Ser497=)

Gene: PKP1 (plakophilin 1; plus strand). Cytogenetic location: 1q32.1.
Variant type: single nucleotide variant.
Coding change: c.1491C>T on transcript NM_001005337.3 (MANE Select); coding-DNA position 1491, C replaced by T.
Protein change: p.Ser497=; no amino-acid change (serine 497 retained).
Molecular consequence: synonymous variant.
Genome position (GRCh38, 1-based): chr1:201,322,121, C>T. VCF-style: chr1-201322121-C-T. GRCh37 (hg19) VCF-style: chr1-201291249-C-T.
Other names: c.1554C>T, p.Ser518= (NM_000299.4).
Identifiers: ClinVar variation 2639781 (VCV002639781.25), dbSNP rs1210397498, ClinGen allele CA422719495.